The following is an entry in ClinVar:

ClinVar aggregate classification (germline): Uncertain significance (1 of 4 stars; one submission).

Submission:

Labcorp Genetics (formerly Invitae), Labcorp
Classification: Uncertain significance. Last evaluated: 2025-05-05. Review status: criteria provided, single submitter. Criteria: Invitae Variant Classification Sherloc (09022015). Collection method: clinical testing. Allele origin: germline.
Comment: This sequence change replaces alanine, which is neutral and non-polar, with serine, which is neutral and polar, at codon 63 of the SPECC1L protein (p.Ala63Ser). This variant is not present in population databases (gnomAD no frequency). This variant has not been reported in the literature in individuals affected with SPECC1L-related conditions. An algorithm developed to predict the effect of missense changes on protein structure and function (PolyPhen-2) suggests that this variant is likely to be disruptive. In summary, the available evidence is currently insufficient to determine the role of this variant in disease. Therefore, it has been classified as a Variant of Uncertain Significance.

NM_015330.6(SPECC1L):c.187G>T (p.Ala63Ser)

Genes: SPECC1L (sperm antigen with calponin homology and coiled-coil domains 1 like; plus strand), SPECC1L-ADORA2A (SPECC1L-ADORA2A readthrough (NMD candidate); plus strand). Cytogenetic location: 22q11.23.
Variant type: single nucleotide variant.
Coding change: c.187G>T on transcript NM_015330.6 (MANE Select); coding-DNA position 187, G replaced by T.
Protein change: p.Ala63Ser; replaces alanine 63 with serine.
Molecular consequence: missense variant. On other transcripts: non-coding transcript variant (1).
Genome position (GRCh38, 1-based): chr22:24,313,346, G>T. VCF-style: chr22-24313346-G-T. GRCh37 (hg19) VCF-style: chr22-24709314-G-T.
Other names: c.187G>T, p.Ala63Ser (NM_001145468.4, NM_001254732.3); short protein forms A63S.
Identifiers: ClinVar variation 4719002 (VCV004719002.1).